The following is an entry in ClinVar:

NM_017739.4(POMGNT1):c.1274G>A (p.Trp425Ter)

Genes: POMGNT1 (protein O-linked mannose N-acetylglucosaminyltransferase 1 (beta 1,2-); minus strand), TSPAN1 (tetraspanin 1; plus strand). Cytogenetic location: 1p34.1.
Variant type: single nucleotide variant.
Coding change: c.1274G>A on transcript NM_017739.4 (MANE Select); coding-DNA position 1274, G replaced by A.
Protein change: p.Trp425Ter; replaces tryptophan 425 with a stop codon.
Molecular consequence: nonsense.
Genome position (GRCh38, 1-based): chr1:46,192,528, C>T on the plus strand (G>A on the coding strand, the complement: POMGNT1 is on the minus strand). VCF-style: chr1-46192528-C-T. GRCh37 (hg19) VCF-style: chr1-46658200-C-T.
Other names: c.1274G>A, p.Trp425Ter (NM_001243766.2, NM_001410783.1, NM_001437653.1 and 3 more transcripts); c.1208G>A, p.Trp403Ter (NM_001290129.3, NM_001438691.1, NM_001438692.1); c.845G>A, p.Trp282Ter (NM_001290130.2); short protein forms W282*, W403*, W425*.
Identifiers: ClinVar variation 5015626 (VCV005015626.1).
Genomic context (GRCh38, chr1:46,192,528, plus strand): 5'-AGCTGAGGCCTCATAAACTCGCCTGCTAAACCCTGGTCATTCCAGCCTACCTGGTCATTC[C>T]AGGCAGAGATGCAGTACAGGCTGTCATCCTCCTCCAGTAGGTGGATGGATTGGCTCAGGA-3'

ClinVar aggregate classification (germline): Pathogenic (1 of 4 stars; one submission).

Conditions:
Myopathy caused by variation in POMGNT1. Identifiers: MedGen CN305639, MONDO:0700068.

Submission:

Myriad Genetics, Inc.
Classification: Pathogenic for Myopathy caused by variation in POMGNT1. Last evaluated: 2026-03-02. Review status: criteria provided, single submitter. Criteria: Myriad Autosomal Dominant, Autosomal Recessive and X-Linked Classification Criteria (2023). Collection method: clinical testing. Allele origin: unknown.
Comment: NM_017739.3(POMGNT1):c.1274G>A(W425*) is expected to be pathogenic in the context of POMGNT1-related disorders. This variant is predicted to lead to an abnormal or absent protein product due to the creation of a premature termination codon in POMGNT1, a gene where loss-of-function variants are known to be pathogenic. Please note: this variant was assessed in the context of healthy population screening.